The following is an entry in ClinVar:

NM_000169.3(GLA):c.713G>A (p.Ser238Asn)

Genes: GLA (galactosidase alpha; minus strand), RPL36A-HNRNPH2 (RPL36A-HNRNPH2 readthrough; plus strand). Cytogenetic location: Xq22.1.
Variant type: single nucleotide variant.
Coding change: c.713G>A on transcript NM_000169.3 (MANE Select); coding-DNA position 713, G replaced by A.
Protein change: p.Ser238Asn; replaces serine 238 with asparagine.
Molecular consequence: missense variant. On other transcripts: non-coding transcript variant (3), intron variant (2).
Genome position (GRCh38, 1-based): chrX:101,398,873, C>T on the plus strand (G>A on the coding strand, the complement: GLA is on the minus strand). VCF-style: chrX-101398873-C-T. GRCh37 (hg19) VCF-style: chrX-100653861-C-T.
Other names: p.S238N:AGT>AAT; c.836G>A, p.Ser279Asn (NM_001406747.1); c.713G>A, p.Ser238Asn (NM_001406748.1); c.300+3416C>T (NM_001199973.2); c.177+7051C>T (NM_001199974.2); short protein forms S238N, S279N.
Identifiers: ClinVar variation 180841 (VCV000180841.23), dbSNP rs730880450, ClinGen allele CA021996.

ClinVar aggregate classification (germline): Pathogenic/Likely pathogenic. Review status: criteria provided, multiple submitters, no conflicts (2 of 4 stars). 11 submissions from 11 submitters: Pathogenic (7); Likely pathogenic (3). 1 of the submissions does not count toward it. Last evaluated 2026-09-08.

Conditions:
Fabry disease. Also called: GLA DEFICIENCY; HEREDITARY DYSTOPIC LIPIDOSIS; ANDERSON-FABRY DISEASE; Angiokeratoma corporis diffusum; Fabry's disease; ALPHA-GALACTOSIDASE A DEFICIENCY. Identifiers: Orphanet 324, MedGen C0002986, MONDO:0010526, OMIM 301500, HP:0001071. Disease mechanism: Fabry disease is due to inactivating mutations in the X-linked GLA gene resulting in deficiency of the enzyme Alpha Galactosidase-A., loss of function.
GLA-related disorder. Also called: GLA-related condition.
Cardiovascular phenotype. Identifiers: MedGen CN230736.

Submissions (11):

Genomenon, Inc
Classification: Likely pathogenic for Fabry disease. Last evaluated: 2026-09-08. Review status: criteria provided, single submitter. Criteria: Genomenon Sequence Variant Interpretation Standards - Updated. Collection method: curation. Allele origin: germline. Affected: yes.
Comment: GLA p.Ser238Asn (c.713G>A) is a missense variant that changes the amino acid at codon 238 from Serine to Asparagine. This variant has been observed in at least one proband with clinical features consistent with Fabry disease (PMID:33527381;32442237;29631605;30996283;37240859;31449323;38395389;18154965;36165155;39031114). The variant was found to segregate with disease in at least one affected family (PMID:18154965). Functional or patient cell studies have been reported (PMID:32023956;35242543;33527381;25974833;27657681;30644091;31449323;29631605;18154965). It is absent or not present at a significant frequency in gnomAD. In silico models predict that this variant is possibly or probably damaging. In conclusion, we classify GLA p.Ser238Asn (c.713G>A) as a likely pathogenic variant.

Serv. Biochemistry and Molecular genetics, Hospital Clinic de Barcelona, Hospital Clínic de Barcelona
Classification: Pathogenic for Fabry disease. Last evaluated: 2026-05-21. Review status: criteria provided, single submitter. Criteria: ACMG Guidelines, 2015. Collection method: clinical testing. Allele origin: germline. Inheritance: X-linked inheritance. Affected: yes. Observed: 22 variant alleles. Clinical features observed: Chronic kidney disease (HP:0012622), Hypertrophic cardiomyopathy (HP:0001639).
Comment: Classification reported in the manuscript using ACMG criteria/in silico tools: Pathogenic. Variant type: Missense; amino acid change: p.Ser238Asn. Criteria: PM1, PM2, PM5, PP1, PP2, PP3, PS3, PS4,

Labcorp Genetics (formerly Invitae), Labcorp
Classification: Pathogenic for Fabry disease. Last evaluated: 2024-03-14. Review status: criteria provided, single submitter. Criteria: Invitae Variant Classification Sherloc (09022015). Collection method: clinical testing. Allele origin: germline.
Comment: This sequence change replaces serine, which is neutral and polar, with asparagine, which is neutral and polar, at codon 238 of the GLA protein (p.Ser238Asn). This variant is not present in population databases (gnomAD no frequency). This missense change has been observed in individual(s) with Fabry disease (PMID: 18154965). It has also been observed to segregate with disease in related individuals. ClinVar contains an entry for this variant (Variation ID: 180841). Advanced modeling of protein sequence and biophysical properties (such as structural, functional, and spatial information, amino acid conservation, physicochemical variation, residue mobility, and thermodynamic stability) performed at Invitae indicates that this missense variant is not expected to disrupt GLA protein function with a negative predictive value of 80%. Experimental studies have shown that this missense change affects GLA function (PMID: 23935525). For these reasons, this variant has been classified as Pathogenic.

Revvity Omics, Revvity
Classification: Likely pathogenic. Last evaluated: 2022-07-27. Review status: criteria provided, single submitter. Criteria: ACMG Guidelines, 2015. Collection method: clinical testing. Allele origin: germline.

Genome-Nilou Lab
Classification: Pathogenic for Fabry disease. Last evaluated: 2021-07-15. Review status: criteria provided, single submitter. Criteria: ACMG Guidelines, 2015. Collection method: clinical testing. Allele origin: germline. Affected: no.

Ambry Genetics
Classification: Likely pathogenic for Cardiovascular phenotype. Last evaluated: 2020-12-18. Review status: criteria provided, single submitter. Criteria: Ambry Variant Classification Scheme 2023. Collection method: clinical testing. Allele origin: germline.
Comment: The p.S238N variant (also known as c.713G>A), located in coding exon 5 of the GLA gene, results from a G to A substitution at nucleotide position 713. The serine at codon 238 is replaced by asparagine, an amino acid with highly similar properties. This variant has been reported in Fabry disease and hypertrophic cardiomyopathy cohorts, and appeared to segregate with disease in one family (Monserrat L et al. J Am Coll Cardiol, 2007 Dec;50:2399-403; Echevarria L et al. Clin Genet, 2016 Jan;89:44-54; Jain R et al. JACC Cardiovasc Imaging, 2018 Apr;11:644-647; Vieitez I et al. Orphanet J Rare Dis, 2018 04;13:52; Viswanathan SK et al. PLoS One, 2017 Nov;12:e0187948). In vitro functional studies showed this variant with approximately 37% of wild-type alpha-galactosidase A activity (Lukas J et al. PLoS Genet, 2013 Aug;9:e1003632; Nowak A et al. J Inherit Metab Dis, 2020 03;43:326-333). This variant was not reported in population-based cohorts in the Genome Aggregation Database (gnomAD). This amino acid position is highly conserved in available vertebrate species. In addition, the in silico prediction for this alteration is inconclusive. Based on the majority of available evidence to date, this variant is likely to be pathogenic.

Women's Health and Genetics/Laboratory Corporation of America, LabCorp
Classification: Pathogenic for Fabry disease. Last evaluated: 2020-08-18. Review status: criteria provided, single submitter. Criteria: LabCorp Variant Classification Summary - May 2015. Collection method: clinical testing. Allele origin: germline.
Comment: Variant summary: GLA c.713G>A (p.Ser238Asn) results in a conservative amino acid change in the encoded protein sequence. Four of five in-silico tools predict a damaging effect of the variant on protein function. The variant was absent in 183483 control chromosomes. c.713G>A has been reported in the literature in individuals with phenotypes ranging from classic Fabry disease (Vieitez_2018) to seemingly isolated GLA-HCM (Monserrat_2007), to late-onset Fabry disease, which may be related to skewed X-inactivation with predominant expression of the wild-type GLA allele (Echevarria_2015). In vitro enzyme activity was shown to be 36% of wild-type (Lukas_2013). One clinical diagnostic laboratory has submitted clinical-significance assessments for this variant to ClinVar after 2014 without evidence for independent evaluation. One laboratory classified the variant as pathogenic. Based on the evidence outlined above, the variant was classified as pathogenic.

Center for Pediatric Genomic Medicine, Children's Mercy Hospital and Clinics
Classification: Pathogenic. Last evaluated: 2015-09-14. Review status: criteria provided, single submitter. Criteria: ACMG Guidelines, 2015. Collection method: clinical testing. Allele origin: germline.

GeneDx
Classification: Pathogenic. Last evaluated: 2012-12-10. Review status: criteria provided, single submitter. Criteria: GeneDx Variant Classification (06012015). Collection method: clinical testing. Allele origin: germline. Affected: yes.
Comment: The Ser238Asn mutation in the GLA gene has been reported in two unrelated males with late onset HCM and low plasma galactosidase A activity (Monserrat L et al., 2007). Mutations in nearby residues (Trp236Arg, Trp236Cys, Trp236Leu, Ile239Thr, Ile242Thr) have been reported in association with Fabry disease, further supporting the functional importance of this region of the protein. Furthermore, the NHLBI ESP Exome Variant Server reports Ser238Asn was not observed in approximately 6,500 samples from individuals of European and African American backgrounds, indicating it is not a common benign variant in these populations. The variant is found in HCM panel(s).

Clinical Genetics Service, Universitary Hospital 12 de Octubre
Classification: Pathogenic for Fabry disease. Review status: criteria provided, single submitter. Criteria: ACMG Guidelines, 2015. Collection method: clinical testing. Allele origin: germline. Affected: yes.

PreventionGenetics, part of Exact Sciences
Classification: Pathogenic for GLA-related condition. Last evaluated: 2024-07-30. Review status: no assertion criteria provided. Collection method: clinical testing. Allele origin: germline. Not counted in ClinVar's aggregate classification.
Comment: The GLA c.713G>A variant is predicted to result in the amino acid substitution p.Ser238Asn. This variant was reported in multiple unrelated individuals with Fabry disease and/or hypertrophic cardiomyopathy (Table 3, Monserrat et al. 2007. PubMed ID: 18154965; Lukas et al. 2013. PubMed ID: 23935525; Viswanathan et al. 2017. PubMed ID: 29121657; Ditac et al. 2021. PubMed ID: 35242543; Vieitez et al. 2018. PubMed ID: 29631605; Echevarria et al. 2015. PubMed ID: 25974833; Nowak et al. 2019. PubMed ID: 31449323; Jain et al. 2018. PubMed ID: 29361493). Multiple studies show that this variant may have incomplete penetrance in younger patients and is frequently associated with late onset disease, where male patients hemizygous for this variant have severely reduced alpha-galactosidase activity (Monserrat et al. 2007. PubMed ID: 18154965; Table 2, Nowak et al. 2019. PubMed ID: 31449323; Ditac et al. 2021. PubMed ID: 35242543; Germain et al. 2020. PubMed ID: 32161151). In vitro functional study showed that this variant results in 36-37 % of wild-type alpha-galactosidase A activity (Table S1, Lukas et al. 2013. PubMed ID: 23935525; Table S1, PMID:27657681 Benjamin 2017). This variant has not been reported in a large population database, indicating this variant is rare. Additionally, a different amino acid change at this position (p.Ser238Arg) was detected in a newborn with positive screening for Fabry disease (Table 2, Sawada et al. 2020. PubMed ID: 31956509). This variant is interpreted as pathogenic.

Literature cited by the submitters: PubMed 33527381 (cited by Genomenon, Inc); PubMed 32442237 (cited by Genomenon, Inc); PubMed 29631605 (cited by 4 submitters); PubMed 30996283 (cited by Genomenon, Inc); PubMed 37240859 (cited by Genomenon, Inc); PubMed 31449323 (cited by Genomenon, Inc and Ambry Genetics); PubMed 38395389 (cited by Genomenon, Inc); PubMed 18154965 (cited by 5 submitters); PubMed 36165155 (cited by Genomenon, Inc); PubMed 39031114 (cited by Genomenon, Inc); PubMed 32023956 (cited by Genomenon, Inc); PubMed 35242543 (cited by Genomenon, Inc); PubMed 25974833 (cited by 4 submitters); PubMed 27657681 (cited by Genomenon, Inc); PubMed 30644091 (cited by Genomenon, Inc); PubMed 23935525 (cited by 4 submitters); PubMed 25409744 (cited by Serv. Biochemistry and Molecular genetics, Hospital Clinic de Barcelona, Hospital Clínic de Barcelona and Women's Health and Genetics/Laboratory Corporation of America, LabCorp); PubMed 18154966 (cited by Ambry Genetics); PubMed 25382311 (cited by Ambry Genetics); PubMed 28340691 (cited by Ambry Genetics); PubMed 29121657 (cited by Ambry Genetics); PubMed 29361493 (cited by Ambry Genetics); PubMed 32161151 (cited by Ambry Genetics).